The following is an entry in ClinVar:

NM_001386298.1(CIC):c.4813C>T (p.Arg1605Trp)

Gene: CIC (capicua transcriptional repressor; plus strand). Cytogenetic location: 19q13.2.
Variant type: single nucleotide variant.
Coding change: c.4813C>T on transcript NM_001386298.1 (MANE Select); coding-DNA position 4813, C replaced by T.
Protein change: p.Arg1605Trp; replaces arginine 1605 with tryptophan.
Molecular consequence: missense variant.
Genome position (GRCh38, 1-based): chr19:42,290,854, C>T. VCF-style: chr19-42290854-C-T. GRCh37 (hg19) VCF-style: chr19-42795006-C-T.
Other names: c.4813C>T, p.Arg1605Trp (NM_001304815.2, NM_001379480.1, NM_001379482.1 and 1 more transcripts); c.2086C>T, p.Arg696Trp (NM_001379484.1, NM_001379485.1, NM_015125.5); short protein forms R1605W, R696W.
Identifiers: ClinVar variation 3067462 (VCV003067462.21), dbSNP rs550975604, ClinGen allele CA9472180.

ClinVar aggregate classification (germline): Likely benign (1 of 4 stars; one submission).

Allele frequency attached by ClinVar (database versions not stated): TOPMed below 0.00001; ExAC 0.00003.
gnomAD v4.1: 33 of 1,611,188 alleles (0.002%); highest among the groups gnomAD compares: Non-Finnish European, 0.0023%; no homozygotes.

Submission:

CeGaT Center for Human Genetics Tuebingen
Classification: Likely benign. Last evaluated: 2025-04-01. Review status: criteria provided, single submitter. Criteria: CeGaT Center For Human Genetics Tuebingen Variant Classification Criteria Version 2. Collection method: clinical testing. Allele origin: germline. Affected: yes. Observed: 3 variant alleles.
Comment: CIC: BP4